The following is an entry in ClinVar:

NM_000264.5(PTCH1):c.151C>T (p.His51Tyr)

Genes: PTCH1 (patched 1; minus strand), LOC130002133 (ATAC-STARR-seq lymphoblastoid silent region 20071; plus strand). Cytogenetic location: 9q22.32.
Variant type: single nucleotide variant.
Coding change: c.151C>T on transcript NM_000264.5 (MANE Select); coding-DNA position 151, C replaced by T.
Protein change: p.His51Tyr; replaces histidine 51 with tyrosine.
Molecular consequence: missense variant. On other transcripts: non-coding transcript variant (1), intron variant (3).
Genome position (GRCh38, 1-based): chr9:95,508,211, G>A on the plus strand (C>T on the coding strand, the complement: PTCH1 is on the minus strand). VCF-style: chr9-95508211-G-A. GRCh37 (hg19) VCF-style: chr9-98270493-G-A.
Other names: c.151C>T, p.His51Tyr (NM_001354918.2); c.199-1612C>T (NM_001083603.3); c.4-1612C>T (NM_001083602.3, NM_001354919.2); short protein forms H51Y.
Identifiers: ClinVar variation 850165 (VCV000850165.9), dbSNP rs1843891102, ClinGen allele CA374121345.

ClinVar aggregate classification (germline): Uncertain significance. Review status: criteria provided, multiple submitters, no conflicts (2 of 4 stars). 2 submissions from 2 submitters: Uncertain significance (2). Last evaluated 2024-02-19.

Conditions:
Gorlin syndrome. Also called: Nevoid Basal Cell Carcinoma Syndrome; Basal cell nevus syndrome. Identifiers: Orphanet 377, MedGen C0004779, MONDO:0007187.
Hereditary cancer-predisposing syndrome. Also called: Neoplastic Syndromes, Hereditary; Hereditary Cancer Syndrome; Hereditary neoplastic syndrome; Tumor predisposition. Identifiers: Orphanet 140162, MedGen C0027672, MeSH D009386, MONDO:0015356.

Allele frequency attached by ClinVar (database versions not stated): TOPMed below 0.00001.

Submissions (2):

Ambry Genetics
Classification: Uncertain significance for Hereditary cancer-predisposing syndrome. Last evaluated: 2024-02-19. Review status: criteria provided, single submitter. Criteria: Ambry Variant Classification Scheme 2023. Collection method: clinical testing. Allele origin: germline.
Comment: The p.H51Y variant (also known as c.151C>T), located in coding exon 1 of the PTCH1 gene, results from a C to T substitution at nucleotide position 151. The histidine at codon 51 is replaced by tyrosine, an amino acid with similar properties. This amino acid position is not well conserved in available vertebrate species. In addition, this alteration is predicted to be tolerated by in silico analysis. Based on the available evidence, the clinical significance of this alteration remains unclear.

Labcorp Genetics (formerly Invitae), Labcorp
Classification: Uncertain significance for Gorlin syndrome. Last evaluated: 2022-03-05. Review status: criteria provided, single submitter. Criteria: Invitae Variant Classification Sherloc (09022015). Collection method: clinical testing. Allele origin: germline.
Comment: This sequence change replaces histidine, which is basic and polar, with tyrosine, which is neutral and polar, at codon 51 of the PTCH1 protein (p.His51Tyr). In summary, the available evidence is currently insufficient to determine the role of this variant in disease. Therefore, it has been classified as a Variant of Uncertain Significance. Advanced modeling of protein sequence and biophysical properties (such as structural, functional, and spatial information, amino acid conservation, physicochemical variation, residue mobility, and thermodynamic stability) performed at Invitae indicates that this missense variant is not expected to disrupt PTCH1 protein function. ClinVar contains an entry for this variant (Variation ID: 850165). This variant has not been reported in the literature in individuals affected with PTCH1-related conditions. This variant is not present in population databases (gnomAD no frequency).